The following is an entry in ClinVar:

NM_000090.4(COL3A1):c.1763G>T (p.Gly588Val)

Gene: COL3A1 (collagen type III alpha 1 chain; plus strand). Cytogenetic location: 2q32.2.
Variant type: single nucleotide variant.
Coding change: c.1763G>T on transcript NM_000090.4 (MANE Select); coding-DNA position 1763, G replaced by T.
Protein change: p.Gly588Val; replaces glycine 588 with valine.
Molecular consequence: missense variant.
Genome position (GRCh38, 1-based): chr2:188,997,166, G>T. VCF-style: chr2-188997166-G-T. GRCh37 (hg19) VCF-style: chr2-189861892-G-T.
Other names: short protein forms G588V.
Identifiers: ClinVar variation 847253 (VCV000847253.11), dbSNP rs587779691, ClinGen allele CA349853188.

ClinVar aggregate classification (germline): Pathogenic/Likely pathogenic. Review status: criteria provided, multiple submitters, no conflicts (2 of 4 stars). 2 submissions from 2 submitters: Pathogenic (1); Likely pathogenic (1). Last evaluated 2022-12-02.

Conditions:
Ehlers-Danlos syndrome, type 4 (EDSVASC). Also called: Ehlers-Danlos Syndrome Type IV; Ehlers-Danlos syndrome vascular type; Ehlers Danlos syndrome, ecchymotic type; Ehlers Danlos syndrome, arterial type; Ehlers Danlos syndrome, Sack-Barabas type. Identifiers: Orphanet 286, MedGen C0268338, MONDO:0017314, OMIM 130050.

Submissions (2):

Labcorp Genetics (formerly Invitae), Labcorp
Classification: Likely pathogenic for Ehlers-Danlos syndrome, type 4. Last evaluated: 2022-12-02. Review status: criteria provided, single submitter. Criteria: Invitae Variant Classification Sherloc (09022015). Collection method: clinical testing. Allele origin: germline.
Comment: In summary, the currently available evidence indicates that the variant is pathogenic, but additional data are needed to prove that conclusively. Therefore, this variant has been classified as Likely Pathogenic. This variant disrupts the p.Gly588 amino acid residue in COL3A1. Other variant(s) that disrupt this residue have been observed in individuals with COL3A1-related conditions (PMID: 10706896), which suggests that this may be a clinically significant amino acid residue. This variant disrupts the triple helix domain of COL3A1. Glycine residues within the Gly-Xaa-Yaa repeats of the triple helix domain are required for the structure and stability of fibrillar collagens (PMID: 7695699, 8218237, 19344236). In COL3A1, variants that affect these glycine residues are significantly enriched in individuals with disease (PMID: 24922459, 25758994) compared to the general population (ExAC). Algorithms developed to predict the effect of missense changes on protein structure and function are either unavailable or do not agree on the potential impact of this missense change (SIFT: "Deleterious"; PolyPhen-2: "Not Available"; Align-GVGD: "Class C65"). ClinVar contains an entry for this variant (Variation ID: 847253). This missense change has been observed in individual(s) with vascular Ehlers-Danlos syndrome (PMID: 25758994). This variant is not present in population databases (gnomAD no frequency). This sequence change replaces glycine, which is neutral and non-polar, with valine, which is neutral and non-polar, at codon 588 of the COL3A1 protein (p.Gly588Val).

GeneDx
Classification: Pathogenic. Last evaluated: 2022-01-17. Review status: criteria provided, single submitter. Criteria: GeneDx Variant Classification Process June 2021. Collection method: clinical testing. Allele origin: germline. Affected: yes.
Comment: Not observed at significant frequency in large population cohorts (gnomAD); In silico analysis supports that this missense variant has a deleterious effect on protein structure/function; Occurs in the triple helical domain and replaces the glycine in the canonical Gly-X-Y repeat; missense substitution of a canonical glycine residue is expected to disrupt normal protein folding and function, and this is an established mechanism of disease (HGMD); Reported in ClinVar (ClinVar Variant ID# 847253); This variant is associated with the following publications: (PMID: 30474650, 25758994, 10706896, 9036918)

Literature cited by the submitters: PubMed 10706896 (cited by Labcorp Genetics (formerly Invitae), Labcorp); PubMed 7695699 (cited by Labcorp Genetics (formerly Invitae), Labcorp); PubMed 8218237 (cited by Labcorp Genetics (formerly Invitae), Labcorp); PubMed 19344236 (cited by Labcorp Genetics (formerly Invitae), Labcorp); PubMed 24922459 (cited by Labcorp Genetics (formerly Invitae), Labcorp); PubMed 25758994 (cited by Labcorp Genetics (formerly Invitae), Labcorp).